The following is an entry in ClinVar:

NM_001080517.3(SETD5):c.298G>A (p.Asp100Asn)

Gene: SETD5 (SET domain containing 5; plus strand). Cytogenetic location: 3p25.3.
Variant type: single nucleotide variant.
Coding change: c.298G>A on transcript NM_001080517.3 (MANE Select); coding-DNA position 298, G replaced by A.
Protein change: p.Asp100Asn; replaces aspartic acid 100 with asparagine.
Molecular consequence: missense variant. On other transcripts: 5 prime UTR variant (2).
Genome position (GRCh38, 1-based): chr3:9,434,454, G>A. VCF-style: chr3-9434454-G-A. GRCh37 (hg19) VCF-style: chr3-9476138-G-A.
Other names: c.-36G>A (NM_001292043.2); c.-77G>A (NM_001349451.2); short protein forms D100N.
Identifiers: ClinVar variation 3359921 (VCV003359921.2).

ClinVar aggregate classification (germline): Conflicting classifications of pathogenicity. Review status: criteria provided, conflicting classifications (1 of 4 stars). 2 submissions from 2 submitters: Uncertain significance (1); Likely benign (1). Last evaluated 2025-07-30.

gnomAD v4.1: 3 of 1,613,838 alleles (0.00019%); highest among the groups gnomAD compares: African/African-American, 0.0013%; no homozygotes.

Submissions (2):

Labcorp Genetics (formerly Invitae), Labcorp
Classification: Likely benign. Last evaluated: 2025-07-30. Review status: criteria provided, single submitter. Criteria: Invitae Variant Classification Sherloc (09022015). Collection method: clinical testing. Allele origin: germline.

GeneDx
Classification: Uncertain significance. Last evaluated: 2023-06-14. Review status: criteria provided, single submitter. Criteria: GeneDx Variant Classification Process June 2021. Collection method: clinical testing. Allele origin: germline. Affected: yes.
Comment: Not observed at significant frequency in large population cohorts (gnomAD); In silico analysis supports that this missense variant has a deleterious effect on protein structure/function; Has not been previously published as pathogenic or benign to our knowledge